The following is an entry in ClinVar:

ClinVar aggregate classification (germline): Benign (1 of 4 stars; one submission).

Conditions:
Ehlers-Danlos syndrome, classic type, 2 (EDSCL2). Also called: Ehlers-Danlos syndrome, type 2; Ehlers-Danlos syndrome type 2 (formerly); Ehlers-Danlos Syndrome, Classic Type, COL5A2-Related. Identifiers: Orphanet 287, Orphanet 90318, MedGen C0268336, MONDO:0019568, OMIM 130010.

Allele frequency attached by ClinVar (database versions not stated): 1000 Genomes Project 0.00060; gnomAD exomes 0.00025; gnomAD 0.00100 and 0.00110; 1000 Genomes Project 30x 0.00062; TOPMed 0.00125.
gnomAD v4.1: 164 of 190,396 alleles (0.086%); highest among the groups gnomAD compares: African/African-American, 0.29%; no homozygotes.

Submission:

Illumina Laboratory Services, Illumina
Classification: Benign for Ehlers-Danlos syndrome, classic type, 2. Last evaluated: 2018-01-12. Review status: criteria provided, single submitter. Criteria: ICSL Variant Classification Criteria 13 December 2019. Collection method: clinical testing. Allele origin: germline.
Comment: This variant was observed in the ICSL laboratory as part of a predisposition screen in an ostensibly healthy population. It had not been previously curated by ICSL or reported in the Human Gene Mutation Database (HGMD: prior to June 1st, 2018), and was therefore a candidate for classification through an automated scoring system. Utilizing variant allele frequency, disease prevalence and penetrance estimates, and inheritance mode, an automated score was calculated to assess if this variant is too frequent to cause the disease. Based on the score and internal cut-off values, a variant classified as benign is not then subjected to further curation. The score for this variant resulted in a classification of benign for this disease.

NM_000393.5(COL5A2):c.*436A>G

Gene: COL5A2 (collagen type V alpha 2 chain; minus strand). Cytogenetic location: 2q32.2.
Variant type: single nucleotide variant.
Coding change: c.*436A>G on transcript NM_000393.5 (MANE Select); 436 bases downstream of the stop codon, A replaced by G.
Molecular consequence: 3 prime UTR variant.
Genome position (GRCh38, 1-based): chr2:189,033,634, T>C on the plus strand (A>G on the coding strand, the complement: COL5A2 is on the minus strand). VCF-style: chr2-189033634-T-C. GRCh37 (hg19) VCF-style: chr2-189898360-T-C.
Identifiers: ClinVar variation 899250 (VCV000899250.4), dbSNP rs149313073, ClinGen allele CA62579825.